The following is an entry in ClinVar:

NM_018723.4(RBFOX1):c.469G>A (p.Gly157Arg)

Gene: RBFOX1 (RNA binding fox-1 homolog 1; plus strand). Cytogenetic location: 16p13.3.
Variant type: single nucleotide variant.
Coding change: c.469G>A on transcript NM_018723.4 (MANE Select); coding-DNA position 469, G replaced by A.
Protein change: p.Gly157Arg; replaces glycine 157 with arginine.
Molecular consequence: missense variant. On other transcripts: intron variant (6).
Genome position (GRCh38, 1-based): chr16:7,595,549, G>A. VCF-style: chr16-7595549-G-A. GRCh37 (hg19) VCF-style: chr16-7645551-G-A.
Other names: c.475G>A, p.Gly159Arg (NM_001415917.1, NM_001415902.1, NM_001415911.1); c.529G>A, p.Gly177Arg (NM_145891.3, NM_145892.3, NM_145893.3 and 4 more transcripts); c.598-1822G>A (NM_001415908.1, NM_001415914.1); c.577-1822G>A (NM_001415910.1, NM_001415912.1); c.469-1822G>A (NM_001415916.1); c.544-1822G>A (NM_001415905.1); c.544G>A, p.Gly182Arg (NM_001415901.1, NM_001415903.1, NM_001415913.1 and 3 more transcripts); c.598G>A, p.Gly200Arg (NM_001415907.1, NM_001308117.1, NM_001411047.1 and 3 more transcripts); and 3 more; short protein forms G157R, G177R, G159R, G182R, G193R, G200R, G356R.
Identifiers: ClinVar variation 2706807 (VCV002706807.3), dbSNP rs2509825505, ClinGen allele CA394682790.
Genomic context (GRCh38, chr16:7,595,549, plus strand): 5'-GTGGTCGTTGACTGAAATAATAATCTGCATGTTGTTTTCCCTTCTCCCTCCTGCATGCAG[G>A]GATTTGGTTTCGTAACTTTCGAAAATAGTGCCGATGCGGACAGGGCGAGGGAGAAATTAC-3'
Protein context (NP_061193.2, residues 147-167): EIIFNERGSK[Gly157Arg]FGFVTFENSA

ClinVar aggregate classification (germline): Uncertain significance (1 of 4 stars; one submission).

Conditions:
Idiopathic generalized epilepsy. Also called: EIG; Generalised epilepsy. Identifiers: MedGen C0270850, MONDO:0005579, OMIM 600669.

Submission:

Labcorp Genetics (formerly Invitae), Labcorp
Classification: Uncertain significance for Idiopathic generalized epilepsy. Last evaluated: 2024-01-10. Review status: criteria provided, single submitter. Criteria: Invitae Variant Classification Sherloc (09022015). Collection method: clinical testing. Allele origin: germline.
Comment: This sequence change replaces glycine, which is neutral and non-polar, with arginine, which is basic and polar, at codon 177 of the RBFOX1 protein (p.Gly177Arg). This variant is not present in population databases (gnomAD no frequency). This variant has not been reported in the literature in individuals affected with RBFOX1-related conditions. An algorithm developed to predict the effect of missense changes on protein structure and function (PolyPhen-2) suggests that this variant is likely to be disruptive. In summary, the available evidence is currently insufficient to determine the role of this variant in disease. Therefore, it has been classified as a Variant of Uncertain Significance.